The following is an entry in ClinVar:

ClinVar aggregate classification (germline): Uncertain significance (1 of 4 stars; one submission).

Submission:

Labcorp Genetics (formerly Invitae), Labcorp
Classification: Uncertain significance. Last evaluated: 2024-08-17. Review status: criteria provided, single submitter. Criteria: Invitae Variant Classification Sherloc (09022015). Collection method: clinical testing. Allele origin: germline.
Comment: This sequence change affects codon 355 of the MOCS3 mRNA. It is a 'silent' change, meaning that it does not change the encoded amino acid sequence of the MOCS3 protein. This variant is present in population databases (rs756468760, gnomAD 0.002%). This variant has not been reported in the literature in individuals affected with MOCS3-related conditions. In summary, the available evidence is currently insufficient to determine the role of this variant in disease. Therefore, it has been classified as a Variant of Uncertain Significance.

NM_014484.5(MOCS3):c.1065C>T (p.Asp355=)

Gene: MOCS3 (molybdenum cofactor synthesis 3; plus strand). Cytogenetic location: 20q13.13.
Variant type: single nucleotide variant.
Coding change: c.1065C>T on transcript NM_014484.5 (MANE Select); coding-DNA position 1065, C replaced by T.
Protein change: p.Asp355=; no amino-acid change (aspartic acid 355 retained).
Molecular consequence: synonymous variant.
Genome position (GRCh38, 1-based): chr20:50,959,907, C>T. VCF-style: chr20-50959907-C-T. GRCh37 (hg19) VCF-style: chr20-49576444-C-T.
Identifiers: ClinVar variation 3691242 (VCV003691242.2).
Genomic context (GRCh38, chr20:50,959,907, plus strand): 5'-TGTTTCTGTCACCGACTATAAGCGACTGCTGGATTCTGGGGCATTCCACCTGTTGCTGGA[C>T]GTCAGGCCTCAGGTGGAGGTGGACATTTGTCGTTTGCCTCATGCCCTACACATCCCTCTG-3'
Protein context (NP_055299.1, residues 345-365): LDSGAFHLLL[Asp355=]VRPQVEVDIC